The following is an entry in ClinVar:

NM_016492.5(RANGRF):c.158A>G (p.Glu53Gly)

Genes: RANGRF (RAN guanine nucleotide release factor; plus strand), SLC25A35 (solute carrier family 25 member 35; minus strand), LOC130060241 (ATAC-STARR-seq lymphoblastoid active region 11693; plus strand). Cytogenetic location: 17p13.1.
Variant type: single nucleotide variant.
Coding change: c.158A>G on transcript NM_016492.5 (MANE Select); coding-DNA position 158, A replaced by G.
Protein change: p.Glu53Gly; replaces glutamic acid 53 with glycine.
Molecular consequence: missense variant. On other transcripts: 3 prime UTR variant (2), non-coding transcript variant (2), intron variant (1).
Genome position (GRCh38, 1-based): chr17:8,289,036, A>G. VCF-style: chr17-8289036-A-G. GRCh37 (hg19) VCF-style: chr17-8192354-A-G.
Other names: c.158A>G, p.Glu53Gly (NM_001177801.2, NM_001177802.2, NM_001330127.2); c.*447T>C (NM_001320872.2); c.*580T>C (NM_201520.3); c.*42+538T>C (NM_001320871.2); short protein forms E53G.
Identifiers: ClinVar variation 3151481 (VCV003151481.1), dbSNP rs762555619, ClinGen allele CA8374329.
Genomic context (GRCh38, chr17:8,289,036, plus strand): 5'-ACAATCAAGAAGTTTTCTGCCATCCCGTGACGGACCAGAGCCTGATAGTGGAACTTCTCG[A>G]GCTGCAGGCCCACGTACGGGGCGAAGCGGCTGCGCGGTGAGGGAATGGCCCCCGGCTGGC-3'
Protein context (NP_057576.2, residues 43-63): TDQSLIVELL[Glu53Gly]LQAHVRGEAA

ClinVar aggregate classification (germline): Uncertain significance. Review status: criteria provided, multiple submitters, no conflicts (2 of 4 stars). 2 submissions from 2 submitters: Uncertain significance (2). Last evaluated 2025-06-24.

Conditions:
Cardiac arrhythmia. Also called: Cardiac rhythm disease; Arrhythmia. Identifiers: MedGen C0003811, MONDO:0007263, HP:0011675.

Allele frequency attached by ClinVar (database versions not stated): gnomAD 0.00001.
gnomAD v4.1: 4 of 1,613,854 alleles (0.00025%); highest among the groups gnomAD compares: African/African-American, 0.004%; no homozygotes.

Submissions (2):

Labcorp Genetics (formerly Invitae), Labcorp
Classification: Uncertain significance for Cardiac arrhythmia. Last evaluated: 2025-06-24. Review status: criteria provided, single submitter. Criteria: Invitae Variant Classification Sherloc (09022015). Collection method: clinical testing. Allele origin: germline.
Comment: This sequence change replaces glutamic acid, which is acidic and polar, with glycine, which is neutral and non-polar, at codon 53 of the RANGRF protein (p.Glu53Gly). This variant is present in population databases (rs762555619, gnomAD 0.008%). This variant has not been reported in the literature in individuals affected with RANGRF-related conditions. ClinVar contains an entry for this variant (Variation ID: 3151481). An algorithm developed to predict the effect of missense changes on protein structure and function (PolyPhen-2) suggests that this variant is likely to be disruptive. In summary, the available evidence is currently insufficient to determine the role of this variant in disease. Therefore, it has been classified as a Variant of Uncertain Significance.

Ambry Genetics
Classification: Uncertain significance. Last evaluated: 2024-01-23. Review status: criteria provided, single submitter. Criteria: Ambry Variant Classification Scheme 2023. Collection method: clinical testing. Allele origin: germline.